The following is an entry in ClinVar:

ClinVar aggregate classification (germline): Pathogenic. Review status: criteria provided, multiple submitters, no conflicts (2 of 4 stars). 2 submissions from 2 submitters: Pathogenic (2). Last evaluated 2022-07-06.

Conditions:
Hereditary cancer-predisposing syndrome. Also called: Hereditary neoplastic syndrome; Tumor predisposition; Hereditary Cancer Syndrome; Neoplastic Syndromes, Hereditary. Identifiers: Orphanet 140162, MedGen C0027672, MeSH D009386, MONDO:0015356.
Hereditary breast ovarian cancer syndrome. Also called: Breast and ovarian cancer; BRCA1- and BRCA2-Associated Hereditary Breast and Ovarian Cancer; Hereditary breast and ovarian cancer syndrome; Hereditary breast and/or ovarian cancer syndrome; Hereditary breast and ovarian cancer; Hereditary breast and ovarian cancer syndrome (HBOC). Identifiers: Orphanet 145, MedGen C0677776, MeSH D061325, MONDO:0003582. Disease mechanism: loss of function.

Submissions (2):

Labcorp Genetics (formerly Invitae), Labcorp
Classification: Pathogenic for Hereditary breast ovarian cancer syndrome. Last evaluated: 2022-07-06. Review status: criteria provided, single submitter. Criteria: Invitae Variant Classification Sherloc (09022015). Collection method: clinical testing. Allele origin: germline.
Comment: For these reasons, this variant has been classified as Pathogenic. ClinVar contains an entry for this variant (Variation ID: 1070093). This premature translational stop signal has been observed in individual(s) with clinical features of BRCA2-related conditions (PMID: 21520333). This variant is not present in population databases (gnomAD no frequency). This sequence change creates a premature translational stop signal (p.Glu2953*) in the BRCA2 gene. It is expected to result in an absent or disrupted protein product. Loss-of-function variants in BRCA2 are known to be pathogenic (PMID: 20104584).

Ambry Genetics
Classification: Pathogenic for Hereditary cancer-predisposing syndrome. Last evaluated: 2020-06-08. Review status: criteria provided, single submitter. Criteria: Ambry Variant Classification Scheme 2023. Collection method: clinical testing. Allele origin: germline.
Comment: The p.E2953* pathogenic mutation (also known as c.8857G>T), located in coding exon 21 of the BRCA2 gene, results from a G to T substitution at nucleotide position 8857. This changes the amino acid from a glutamic acid to a stop codon within coding exon 21. This alteration is expected to result in loss of function by premature protein truncation or nonsense-mediated mRNA decay. As such, this alteration is interpreted as a disease-causing mutation.

Literature cited by the submitters: PubMed 21520333 (cited by Labcorp Genetics (formerly Invitae), Labcorp); PubMed 20104584 (cited by Labcorp Genetics (formerly Invitae), Labcorp).

NM_000059.4(BRCA2):c.8857G>T (p.Glu2953Ter)

Gene: BRCA2 (BRCA2 DNA repair associated; plus strand). Cytogenetic location: 13q13.1.
Variant type: single nucleotide variant.
Coding change: c.8857G>T on transcript NM_000059.4 (MANE Select); coding-DNA position 8857, G replaced by T.
Protein change: p.Glu2953Ter; replaces glutamic acid 2953 with a stop codon.
Molecular consequence: nonsense.
Genome position (GRCh38, 1-based): chr13:32,379,419, G>T. VCF-style: chr13-32379419-G-T. GRCh37 (hg19) VCF-style: chr13-32953556-G-T.
Other names: short protein forms E2953*.
Identifiers: ClinVar variation 1070093 (VCV001070093.11), dbSNP rs775261666, ClinGen allele CA387756319.
Genomic context (GRCh38, chr13:32,379,419, plus strand): 5'-AGGCAAATGTTGAATGATAAGAAACAAGCTCAGATCCAGTTGGAAATTAGGAAGGCCATG[G>T]AATCTGCTGAACAAAAGGAACAAGGTTTATCAAGGGATGTCACAACCGTGTGGAAGTTGC-3'